The following is an entry in ClinVar:

ClinVar aggregate classification (germline): Uncertain significance (1 of 4 stars; one submission).

Submission:

GeneDx
Classification: Uncertain significance. Last evaluated: 2022-08-04. Review status: criteria provided, single submitter. Criteria: GeneDx Variant Classification Process June 2021. Collection method: clinical testing. Allele origin: germline. Affected: yes.
Comment: Not observed at significant frequency in large population cohorts (gnomAD); In-frame deletion of 4 amino acids in a repetitive region with no known function; Has not been previously published as pathogenic or benign to our knowledge

NM_003924.4(PHOX2B):c.735_746del (p.Ala257_Ala260del)

Genes: PHOX2B (paired like homeobox 2B; minus strand), LOC110011216 (paired like homeobox 2b polyalanine repeat instability region; plus strand). Cytogenetic location: 4p13.
Variant type: Deletion.
Coding change: c.735_746del on transcript NM_003924.4 (MANE Select); coding-DNA positions 735 to 746, 12 bases deleted (GGCGGCCGCGGC).
Protein change: p.Ala257_Ala260del.
Molecular consequence: inframe deletion. On other transcripts: inframe indel (1).
Genome position (GRCh38, 1-based): chr4:41,746,006-41,746,017, GCCGCGGCCGCC deleted on the plus strand (GGCGGCCGCGGC on the coding strand, the reverse complement: PHOX2B is on the minus strand); deleting any 12 consecutive bases within chr4:41,746,006-41,746,022 gives the same sequence; the c. name uses the placement nearest the transcript's 3' end. VCF-style (leftmost placement, unchanged base first): chr4-41746005-TGCCGCGGCCGCC-T. GRCh37 (hg19) VCF-style: chr4-41748022-TGCCGCGGCCGCC-T.
Other names: c.730_741delGCGGCGGCGGCC, p.Ala257_Ala260del (NM_003924.3).
Identifiers: ClinVar variation 2428942 (VCV002428942.3), dbSNP rs1553897780, ClinGen allele CA2580071006.